The following is an entry in ClinVar:

NM_002658.6(PLAU):c.-18C>A

Genes: C10orf55 (chromosome 10 putative open reading frame 55; minus strand), PLAU (plasminogen activator, urokinase; plus strand), LOC130004104 (ATAC-STARR-seq lymphoblastoid silent region 2495; plus strand). Cytogenetic location: 10q22.2.
Variant type: single nucleotide variant.
Coding change: c.-18C>A on transcript NM_002658.6 (MANE Select); 18 bases upstream of the start codon, C replaced by A.
Molecular consequence: 5 prime UTR variant. On other transcripts: non-coding transcript variant (2).
Genome position (GRCh38, 1-based): chr10:73,911,538, C>A. VCF-style: chr10-73911538-C-A. GRCh37 (hg19) VCF-style: chr10-75671296-C-A.
Other names: c.-354C>A (NM_001145031.3); c.-248C>A (NM_001319191.2).
Identifiers: ClinVar variation 300738 (VCV000300738.6), dbSNP rs2227555, ClinGen allele CA5562219.

ClinVar aggregate classification (germline): Benign. Review status: criteria provided, multiple submitters, no conflicts (2 of 4 stars). 2 submissions from 2 submitters: Benign (2). Last evaluated 2018-01-12.

Conditions:
Quebec platelet disorder (QPD). Also called: FACTOR V QUEBEC; BLEEDING DISORDER, PLATELET-TYPE, 5. Identifiers: Orphanet 220436, MedGen C1866423, MONDO:0011136, OMIM 601709.

Allele frequency attached by ClinVar (database versions not stated): TOPMed 0.00877; gnomAD exomes 0.00232 and 0.00080; ESP Exome Variant Server 0.00854; gnomAD 0.00887 and 0.00948; 1000 Genomes Project 0.01078; 1000 Genomes Project 30x 0.01218; ExAC 0.00307.
gnomAD v4.1: 2,589 of 1,610,580 alleles (0.16%); highest among the groups gnomAD compares: African/African-American, 2.9%; 40 homozygotes.

Submissions (2):

Illumina Laboratory Services, Illumina
Classification: Benign for Quebec platelet disorder. Last evaluated: 2018-01-12. Review status: criteria provided, single submitter. Criteria: ICSL Variant Classification Criteria 13 December 2019. Collection method: clinical testing. Allele origin: germline.
Comment: This variant was observed in the ICSL laboratory as part of a predisposition screen in an ostensibly healthy population. It had not been previously curated by ICSL or reported in the Human Gene Mutation Database (HGMD: prior to June 1st, 2018), and was therefore a candidate for classification through an automated scoring system. Utilizing variant allele frequency, disease prevalence and penetrance estimates, and inheritance mode, an automated score was calculated to assess if this variant is too frequent to cause the disease. Based on the score and internal cut-off values, a variant classified as benign is not then subjected to further curation. The score for this variant resulted in a classification of benign for this disease.

Breakthrough Genomics
Classification: Benign. Review status: criteria provided, single submitter. Criteria: ACMG Guidelines, 2015. Collection method: not provided. Allele origin: germline. Inheritance: Autosomal dominant inheritance. Affected: yes.